The following is an entry in ClinVar:

ClinVar aggregate classification (germline): Uncertain significance (1 of 4 stars; one submission).

Submission:

Labcorp Genetics (formerly Invitae), Labcorp
Classification: Uncertain significance. Last evaluated: 2024-10-22. Review status: criteria provided, single submitter. Criteria: Invitae Variant Classification Sherloc (09022015). Collection method: clinical testing. Allele origin: germline.
Comment: This variant occurs in the SNORD118 gene, which encodes an RNA molecule that does not result in a protein product. Information on the frequency of this variant in the gnomAD database is not available, as this variant may be reported differently in the database. This variant has not been reported in the literature in individuals affected with SNORD118-related conditions. ClinVar contains an entry for this variant (Variation ID: 1474769). Experimental studies and prediction algorithms are not available or were not evaluated, and the functional significance of this variant is currently unknown. In summary, the available evidence is currently insufficient to determine the role of this variant in disease. Therefore, it has been classified as a Variant of Uncertain Significance.

NR_033294.2(SNORD118):n.105_106delinsTT

Genes: SNORD118 (small nucleolar RNA, C/D box 118; minus strand), TMEM107 (transmembrane protein 107; minus strand). Cytogenetic location: 17p13.1.
Variant type: Indel.
Molecular consequence: non-coding transcript variant (on NR_033294.2). On other transcripts: 3 prime UTR variant (5).
Genome position: GRCh38 VCF-style: chr17-8173483-GT-AA. GRCh37 (hg19) VCF-style: chr17-8076801-GT-AA.
Other names: c.*719_*720delinsTT (NM_001351278.2, NM_001351279.2, NM_001351280.2 and 2 more transcripts).
Identifiers: ClinVar variation 1474769 (VCV001474769.4), dbSNP rs2151869439, ClinGen allele CA2573154526.